The following is an entry in ClinVar:

ClinVar aggregate classification (germline): Uncertain significance. Review status: criteria provided, multiple submitters, no conflicts (2 of 4 stars). 5 submissions from 5 submitters: Uncertain significance (4). 1 of the submissions does not count toward it. Last evaluated 2023-12-29.

Conditions:
Microcephaly, normal intelligence and immunodeficiency (NBS). Also called: Microcephaly with normal intelligence immunodeficiency and lymphoreticular malignancies; Nonsyndromal microcephaly autosomal recessive with normal intelligence; Seemanova syndrome 2; Ataxia telangiectasia variant V1; BERLIN BREAKAGE SYNDROME; Immunodeficiency, microcephaly with normal intelligence. Identifiers: Orphanet 647, MedGen C0398791, MONDO:0009623, OMIM 251260.
Hereditary cancer-predisposing syndrome. Also called: Neoplastic Syndromes, Hereditary; Hereditary Cancer Syndrome; Tumor predisposition; Hereditary neoplastic syndrome. Identifiers: Orphanet 140162, MedGen C0027672, MeSH D009386, MONDO:0015356.

Submissions (5):

Ambry Genetics
Classification: Uncertain significance for Hereditary cancer-predisposing syndrome. Last evaluated: 2023-12-29. Review status: criteria provided, single submitter. Criteria: Ambry Variant Classification Scheme 2023. Collection method: clinical testing. Allele origin: germline.
Comment: The p.I193T variant (also known as c.578T>C), located in coding exon 5 of the NBN gene, results from a T to C substitution at nucleotide position 578. The isoleucine at codon 193 is replaced by threonine, an amino acid with similar properties. This amino acid position is not well conserved in available vertebrate species. In addition, this alteration is predicted to be tolerated by in silico analysis. Since supporting evidence is limited at this time, the clinical significance of this alteration remains unclear.

Genome-Nilou Lab
Classification: Uncertain significance for Microcephaly, normal intelligence and immunodeficiency. Last evaluated: 2021-11-07. Review status: criteria provided, single submitter. Criteria: ACMG Guidelines, 2015. Collection method: clinical testing. Allele origin: germline. Affected: no.

Labcorp Genetics (formerly Invitae), Labcorp
Classification: Uncertain significance for Microcephaly, normal intelligence and immunodeficiency. Last evaluated: 2021-10-16. Review status: criteria provided, single submitter. Criteria: Invitae Variant Classification Sherloc (09022015). Collection method: clinical testing. Allele origin: germline.
Comment: This sequence change replaces isoleucine with threonine at codon 193 of the NBN protein (p.Ile193Thr). The isoleucine residue is weakly conserved and there is a moderate physicochemical difference between isoleucine and threonine. This variant is not present in population databases (ExAC no frequency). This variant has not been reported in the literature in individuals affected with NBN-related conditions. ClinVar contains an entry for this variant (Variation ID: 801236). Algorithms developed to predict the effect of missense changes on protein structure and function (SIFT, PolyPhen-2, Align-GVGD) all suggest that this variant is likely to be tolerated. In summary, the available evidence is currently insufficient to determine the role of this variant in disease. Therefore, it has been classified as a Variant of Uncertain Significance.

Quest Diagnostics Nichols Institute San Juan Capistrano
Classification: Uncertain significance. Last evaluated: 2019-03-26. Review status: criteria provided, single submitter. Criteria: Quest Diagnostics criteria. Collection method: clinical testing. Allele origin: germline.

Natera, Inc.
Classification: Uncertain significance for Nijmegen breakage syndrome. Last evaluated: 2020-09-16. Review status: no assertion criteria provided. Collection method: clinical testing. Allele origin: germline. Not counted in ClinVar's aggregate classification.

NM_002485.5(NBN):c.578T>C (p.Ile193Thr)

Gene: NBN (nibrin; minus strand). Cytogenetic location: 8q21.3.
Variant type: single nucleotide variant.
Coding change: c.578T>C on transcript NM_002485.5 (MANE Select); coding-DNA position 578, T replaced by C.
Protein change: p.Ile193Thr; replaces isoleucine 193 with threonine.
Molecular consequence: missense variant.
Genome position (GRCh38, 1-based): chr8:89,978,226, A>G on the plus strand (T>C on the coding strand, the complement: NBN is on the minus strand). VCF-style: chr8-89978226-A-G. GRCh37 (hg19) VCF-style: chr8-90990454-A-G.
Other names: c.332T>C, p.Ile111Thr (NM_001024688.3); short protein forms I193T, I111T.
Identifiers: ClinVar variation 801236 (VCV000801236.14), dbSNP rs1586101162, ClinGen allele CA371660090.